The following is an entry in ClinVar:

NM_000337.6(SGCD):c.390A>G (p.Lys130=)

Gene: SGCD (sarcoglycan delta; plus strand). Cytogenetic location: 5q33.3.
Variant type: single nucleotide variant.
Coding change: c.390A>G on transcript NM_000337.6 (MANE Select); coding-DNA position 390, A replaced by G.
Protein change: p.Lys130=; no amino-acid change (lysine 130 retained).
Molecular consequence: synonymous variant.
Genome position (GRCh38, 1-based): chr5:156,594,939, A>G. VCF-style: chr5-156594939-A-G. GRCh37 (hg19) VCF-style: chr5-156021949-A-G.
Other names: c.387A>G, p.Lys129= (NM_001128209.2); c.390A>G, p.Lys130= (NM_172244.3).
Identifiers: ClinVar variation 3709384 (VCV003709384.6).

ClinVar aggregate classification (germline): Likely benign. Review status: criteria provided, multiple submitters, no conflicts (2 of 4 stars). 2 submissions from 2 submitters: Likely benign (2). Last evaluated 2026-01-01.

Conditions:
Autosomal recessive limb-girdle muscular dystrophy type 2F (LGMDR6). Also called: Muscular dystrophy limb-girdle with delta-sarcoglyan deficiency; MUSCULAR DYSTROPHY, LIMB-GIRDLE, AUTOSOMAL RECESSIVE 6. Identifiers: Orphanet 219, MedGen C1832525, MONDO:0011028, OMIM 601287. Disease mechanism: Affects gamma-sarcoglycan and also disrupts the integrity of the entire sarcoglycan complex..

gnomAD v4.1: 2 of 1,604,112 alleles (0.00012%); highest among the groups gnomAD compares: Non-Finnish European, 0.000085%; no homozygotes.

Submissions (2):

CeGaT Center for Human Genetics Tuebingen
Classification: Likely benign. Last evaluated: 2026-01-01. Review status: criteria provided, single submitter. Criteria: CeGaT Center For Human Genetics Tuebingen Variant Classification Criteria Version 2. Collection method: clinical testing. Allele origin: germline. Affected: yes. Observed: 1 variant allele.
Comment: SGCD: BP4, BP7

Labcorp Genetics (formerly Invitae), Labcorp
Classification: Likely benign for Autosomal recessive limb-girdle muscular dystrophy type 2F. Last evaluated: 2024-06-03. Review status: criteria provided, single submitter. Criteria: Invitae Variant Classification Sherloc (09022015). Collection method: clinical testing. Allele origin: germline.